The following is an entry in ClinVar:

ClinVar aggregate classification (germline): Uncertain significance (1 of 4 stars; one submission).

Conditions:
3-methylglutaconic aciduria, type VIIB (MGCA7B). Also called: CLPB Deficiency; 3-methylglutaconic aciduria, type VII, with cataracts, neurologic involvement and neutropenia; 3-methylglutaconic aciduria with cataracts, neurologic involvement and neutropenia. Identifiers: Orphanet 445038, MedGen C5676893, MONDO:0014561, OMIM 616271.

gnomAD v4.1: 1 of 1,613,858 alleles (0.000062%); highest among the groups gnomAD compares: African/African-American, 0.0013%; no homozygotes.

Submission:

Labcorp Genetics (formerly Invitae), Labcorp
Classification: Uncertain significance for 3-methylglutaconic aciduria, type VIIB. Last evaluated: 2025-05-19. Review status: criteria provided, single submitter. Criteria: Invitae Variant Classification Sherloc (09022015). Collection method: clinical testing. Allele origin: germline.
Comment: This sequence change replaces arginine, which is basic and polar, with serine, which is neutral and polar, at codon 295 of the CLPB protein (p.Arg295Ser). This variant is not present in population databases (gnomAD no frequency). This variant has not been reported in the literature in individuals affected with CLPB-related conditions. An algorithm developed to predict the effect of missense changes on protein structure and function (PolyPhen-2) suggests that this variant is likely to be tolerated. In summary, the available evidence is currently insufficient to determine the role of this variant in disease. Therefore, it has been classified as a Variant of Uncertain Significance.

NM_001258392.3(CLPB):c.795G>T (p.Arg265Ser)

Gene: CLPB (ClpB family mitochondrial disaggregase; minus strand). Cytogenetic location: 11q13.4.
Variant type: single nucleotide variant.
Coding change: c.795G>T on transcript NM_001258392.3 (MANE Select); coding-DNA position 795, G replaced by T.
Protein change: p.Arg265Ser; replaces arginine 265 with serine.
Molecular consequence: missense variant.
Genome position (GRCh38, 1-based): chr11:72,329,785, C>A on the plus strand (G>T on the coding strand, the complement: CLPB is on the minus strand). VCF-style: chr11-72329785-C-A. GRCh37 (hg19) VCF-style: chr11-72040829-C-A.
Other names: c.708G>T, p.Arg236Ser (NM_001258393.3); c.750G>T, p.Arg250Ser (NM_001258394.3); c.885G>T, p.Arg295Ser (NM_030813.6); short protein forms R295S, R236S, R250S, R265S.
Identifiers: ClinVar variation 4719873 (VCV004719873.1).
Genomic context (GRCh38, chr11:72,329,785, plus strand): 5'-CAGAAGCTTCATCACTTCCCCTTCTCGGGCATAATCCAAGGGTGTGTGTCCCATTTCATT[C>A]CTCTGCAGGGGGTTGGCTCCTGGCAAGAGAAGAAGGATAAACAGAGGCTCTATGAACGAT-3'
Protein context (NP_001245321.1, residues 255-275): LLDGGANPLQ[Arg265Ser]NEMGHTPLDY